The following is an entry in ClinVar:

ClinVar aggregate classification (germline): Uncertain significance. Review status: criteria provided, multiple submitters, no conflicts (2 of 4 stars). 3 submissions from 3 submitters: Uncertain significance (3). Last evaluated 2024-03-28.

Conditions:
Cardiovascular phenotype. Identifiers: MedGen CN230736.
Primary dilated cardiomyopathy (DCM). Also called: Dilated Cardiomyopathy. Identifiers: Orphanet 217604, MedGen C0007193, MeSH D002311, MONDO:0005021, HP:0001644. Inheritance: Various modes of inheritance.

Allele frequency attached by ClinVar (database versions not stated): gnomAD exomes 0.00002; TOPMed 0.00002; ExAC 0.00003; gnomAD 0.00003 and 0.00004; ESP Exome Variant Server 0.00008; 1000 Genomes Project 0.00040; 1000 Genomes Project 30x 0.00062.
gnomAD v4.1: 10 of 1,609,406 alleles (0.00062%); highest among the groups gnomAD compares: African/African-American, 0.011%; no homozygotes.

Submissions (3):

GeneDx
Classification: Uncertain significance. Last evaluated: 2024-03-28. Review status: criteria provided, single submitter. Criteria: GeneDx Variant Classification Process June 2021. Collection method: clinical testing. Allele origin: germline. Affected: yes.
Comment: Not observed at significant frequency in large population cohorts (gnomAD); In silico analysis supports a deleterious effect on splicing; In silico analysis supports that this missense variant has a deleterious effect on protein structure/function; Identified in the heterozygous state in a child with familial glucocorticoid deficiency (FGD) who also harbored a homozygous truncating variant in NNT (PMID: 37352919); This variant is associated with the following publications: (PMID: 37352919)

Labcorp Genetics (formerly Invitae), Labcorp
Classification: Uncertain significance for Primary dilated cardiomyopathy. Last evaluated: 2023-10-22. Review status: criteria provided, single submitter. Criteria: Invitae Variant Classification Sherloc (09022015). Collection method: clinical testing. Allele origin: germline.
Comment: This sequence change replaces lysine, which is basic and polar, with asparagine, which is neutral and polar, at codon 482 of the TXNRD2 protein (p.Lys482Asn). This variant is present in population databases (rs371797598, gnomAD 0.02%). This variant has not been reported in the literature in individuals affected with TXNRD2-related conditions. ClinVar contains an entry for this variant (Variation ID: 1407066). An algorithm developed to predict the effect of missense changes on protein structure and function (PolyPhen-2) suggests that this variant is likely to be tolerated. Algorithms developed to predict the effect of sequence changes on RNA splicing suggest that this variant may create or strengthen a splice site. In summary, the available evidence is currently insufficient to determine the role of this variant in disease. Therefore, it has been classified as a Variant of Uncertain Significance.

Ambry Genetics
Classification: Uncertain significance for Cardiovascular phenotype. Last evaluated: 2023-01-29. Review status: criteria provided, single submitter. Criteria: Ambry Variant Classification Scheme 2023. Collection method: clinical testing. Allele origin: germline.
Comment: The p.K482N variant (also known as c.1446G>T) is located in coding exon 17 of the TXNRD2 gene. The lysine at codon 482 is replaced by asparagine, an amino acid with similar properties. This change occurs in the first base pair of coding exon 17. This amino acid position is well conserved in available vertebrate species. In addition, the in silico prediction for this alteration is inconclusive. Since supporting evidence is limited at this time, the clinical significance of this alteration remains unclear.

NM_006440.5(TXNRD2):c.1446G>T (p.Lys482Asn)

Gene: TXNRD2 (thioredoxin reductase 2; minus strand). Cytogenetic location: 22q11.21.
Variant type: single nucleotide variant.
Coding change: c.1446G>T on transcript NM_006440.5 (MANE Select); coding-DNA position 1446, G replaced by T.
Protein change: p.Lys482Asn; replaces lysine 482 with asparagine.
Molecular consequence: missense variant.
Genome position (GRCh38, 1-based): chr22:19,877,234, C>A on the plus strand (G>T on the coding strand, the complement: TXNRD2 is on the minus strand). VCF-style: chr22-19877234-C-A. GRCh37 (hg19) VCF-style: chr22-19864757-C-A.
Other names: c.1443G>T, p.Lys481Asn (NM_001352300.2); c.1356G>T, p.Lys452Asn (NM_001352301.2); c.1158G>T, p.Lys386Asn (NM_001352302.2); short protein forms K481N, K386N, K482N, K452N.
Identifiers: ClinVar variation 1407066 (VCV001407066.9), dbSNP rs371797598, ClinGen allele CA10103624.